The following is an entry in ClinVar:

ClinVar aggregate classification (germline): Uncertain significance (1 of 4 stars; one submission).

Allele frequency attached by ClinVar (database versions not stated): gnomAD 0.00001; TOPMed 0.00002.
gnomAD v4.1: 1 of 1,614,084 alleles (0.000062%); highest among the groups gnomAD compares: Admixed American, 0.0017%; no homozygotes.

Submission:

Labcorp Genetics (formerly Invitae), Labcorp
Classification: Uncertain significance. Last evaluated: 2024-06-28. Review status: criteria provided, single submitter. Criteria: Invitae Variant Classification Sherloc (09022015). Collection method: clinical testing. Allele origin: germline.
Comment: This sequence change replaces methionine, which is neutral and non-polar, with valine, which is neutral and non-polar, at codon 238 of the SON protein (p.Met238Val). This variant is present in population databases (no rsID available, gnomAD 0.1%). This variant has not been reported in the literature in individuals affected with SON-related conditions. Algorithms developed to predict the effect of missense changes on protein structure and function output the following: SIFT: "Not Available"; PolyPhen-2: "Benign"; Align-GVGD: "Not Available". The valine amino acid residue is found in multiple mammalian species, which suggests that this missense change does not adversely affect protein function. In summary, the available evidence is currently insufficient to determine the role of this variant in disease. Therefore, it has been classified as a Variant of Uncertain Significance.

NM_138927.4(SON):c.712A>G (p.Met238Val)

Gene: SON (SON DNA and RNA binding protein; plus strand). Cytogenetic location: 21q22.11.
Variant type: single nucleotide variant.
Coding change: c.712A>G on transcript NM_138927.4 (MANE Select); coding-DNA position 712, A replaced by G.
Protein change: p.Met238Val; replaces methionine 238 with valine.
Molecular consequence: missense variant. On other transcripts: non-coding transcript variant (1), intron variant (1).
Genome position (GRCh38, 1-based): chr21:33,549,943, A>G. VCF-style: chr21-33549943-A-G. GRCh37 (hg19) VCF-style: chr21-34922249-A-G.
Other names: c.712A>G, p.Met238Val (NM_001291411.2, NM_001412133.1, NM_032195.3 and 2 more transcripts); c.244+3564A>G (NM_001291412.3); short protein forms M238V.
Identifiers: ClinVar variation 2790265 (VCV002790265.3), dbSNP rs765193644, ClinGen allele CA410152057.